The following is an entry in ClinVar:

NM_001357.5(DHX9):c.2152A>G (p.Thr718Ala)

Gene: DHX9 (DExH-box helicase 9; plus strand). Cytogenetic location: 1q25.3.
Variant type: single nucleotide variant.
Coding change: c.2152A>G on transcript NM_001357.5 (MANE Select); coding-DNA position 2152, A replaced by G.
Protein change: p.Thr718Ala; replaces threonine 718 with alanine.
Molecular consequence: missense variant. On other transcripts: non-coding transcript variant (1).
Genome position (GRCh38, 1-based): chr1:182,876,857, A>G. VCF-style: chr1-182876857-A-G. GRCh37 (hg19) VCF-style: chr1-182845992-A-G.
Other names: short protein forms T718A.
Identifiers: ClinVar variation 2579541 (VCV002579541.2), dbSNP rs2526436163, ClinGen allele CA343661792.
Genomic context (GRCh38, chr1:182,876,857, plus strand): 5'-ATTTTCTGGAGTGTAATTTTTCTTTCTTCACAGGTTATTTTGTCCACAAATATTGCTGAA[A>G]CAAGCATTACCATAAACGATGTTGTTTATGTCATTGACTCCTGCAAGTAAGTTACTGGGA-3'
Protein context (NP_001348.2, residues 708-728): KVILSTNIAE[Thr718Ala]SITINDVVYV

ClinVar aggregate classification (germline): Uncertain significance (1 of 4 stars; one submission).

Submission:

GeneDx
Classification: Uncertain significance. Last evaluated: 2025-10-02. Review status: criteria provided, single submitter. Criteria: GeneDx Variant Classification Process June 2021. Collection method: clinical testing. Allele origin: germline. Affected: yes.
Comment: Not observed at significant frequency in large population cohorts (gnomAD); In silico analysis supports that this missense variant has a deleterious effect on protein structure/function; Has not been previously published as pathogenic or benign to our knowledge